The following is an entry in ClinVar:

ClinVar aggregate classification (germline): Uncertain significance (1 of 4 stars; one submission).

Submission:

GeneDx
Classification: Uncertain significance. Last evaluated: 2024-10-21. Review status: criteria provided, single submitter. Criteria: GeneDx Variant Classification Process June 2021. Collection method: clinical testing. Allele origin: germline.
Comment: Has not been previously published as pathogenic or benign to our knowledge; In silico analysis is inconclusive as to whether the variant alters gene splicing. In the absence of RNA/functional studies, the actual effect of this sequence change is unknown.

NM_020774.4(MIB1):c.2587-12_2587-11del

Gene: MIB1 (MIB E3 ubiquitin protein ligase 1; plus strand). Cytogenetic location: 18q11.2.
Variant type: Microsatellite.
Coding change: c.2587-12_2587-11del on transcript NM_020774.4 (MANE Select); 12 bases into the intron before coding-DNA position 2587 through 11 bases into the intron before coding-DNA position 2587, 2 bases deleted (CT; older notation c.2587-12_2587-11delCT).
Molecular consequence: intron variant.
Genome position (GRCh38, 1-based): chr18:21,853,128-21,853,129, CT deleted; deleting any 2 consecutive bases within chr18:21,853,126-21,853,129 gives the same sequence; the c. name uses the placement nearest the transcript's 3' end. VCF-style (leftmost placement, unchanged base first): chr18-21853125-CCT-C. GRCh37 (hg19) VCF-style: chr18-19433086-CCT-C.
Identifiers: ClinVar variation 2580775 (VCV002580775.2), dbSNP rs548508294, ClinGen allele CA8908643.